The following is an entry in ClinVar:

NM_000038.6(APC):c.7891del (p.Ser2631fs)

Gene: APC (APC regulator of WNT signaling pathway; plus strand). Cytogenetic location: 5q22.2.
Variant type: Deletion.
Coding change: c.7891del on transcript NM_000038.6 (MANE Select); coding-DNA position 7891, one base deleted (T; older notation c.7891delT).
Protein change: p.Ser2631fs; shifts the reading frame from serine 2631.
Molecular consequence: frameshift variant.
Genome position (GRCh38, 1-based): chr5:112,843,485, T deleted; the last of 3 consecutive T bases (chr5:112,843,483-112,843,485); deleting any one gives the same sequence. VCF-style (leftmost placement, unchanged base first): chr5-112843482-GT-G. GRCh37 (hg19) VCF-style: chr5-112179179-GT-G.
Other names: c.7891del, p.Ser2631fs (NM_001127510.3, NM_001354895.2); c.7837del, p.Ser2613fs (NM_001127511.3); c.7945del, p.Ser2649fs (NM_001354896.2); c.7921del, p.Ser2641fs (NM_001354897.2); c.7816del, p.Ser2606fs (NM_001354898.2); c.7807del, p.Ser2603fs (NM_001354899.2); c.7768del, p.Ser2590fs (NM_001354900.2); c.7714del, p.Ser2572fs (NM_001354901.2); and 5 more; short protein forms S2505fs, S2540fs, S2572fs, S2348fs, S2530fs, S2603fs, S2631fs, S2641fs.
Identifiers: ClinVar variation 545813 (VCV000545813.2), dbSNP rs1554088726, ClinGen allele CA658822516.
Genomic context (GRCh38, chr5:112,843,482, plus strand): 5'-GGAACATGGAGAAAAATAAAAGAAAATGAATTTTCTCCCACAAATAGTACTTCTCAGACC[GT>G]TTCCTCAGGTGCTACAAATGGTGCTGAATCAAAGACTCTAATTTATCAAATGGCACCTGC-3'

ClinVar aggregate classification (germline): Likely pathogenic (1 of 4 stars; one submission).

Submission:

GeneDx
Classification: Likely pathogenic. Last evaluated: 2017-08-11. Review status: criteria provided, single submitter. Criteria: GeneDx Variant Classification (06012015). Collection method: clinical testing. Allele origin: germline. Affected: yes.
Comment: This deletion of one nucleotide in APC is denoted c.7891delT at the cDNA level and p.Ser2631ProfsX13 (S2631PfsX13) at the protein level. The normal sequence, with the base that is deleted in brackets, is CGTT[delT]CCTC. The deletion causes a frameshift which changes a Serine to a Proline at codon 2631, and creates a premature stop codon at position 13 of the new reading frame. Due to the position of the variant, nonsense-mediated decay is not expected to occur, but the variant likely causes loss of normal protein function through protein truncation. Based on the currently available information, we consider this deletion to be a likely pathogenic variant.